The following is an entry in ClinVar:

NM_024782.3(NHEJ1):c.529+1G>A

Gene: NHEJ1 (non-homologous end joining factor 1; minus strand). Cytogenetic location: 2q35.
Variant type: single nucleotide variant.
Coding change: c.529+1G>A on transcript NM_024782.3 (MANE Select); the canonical splice donor site of the intron after coding-DNA position 529, G replaced by A.
Molecular consequence: splice donor variant.
Genome position (GRCh38, 1-based): chr2:219,147,656, C>T on the plus strand (G>A on the coding strand, the complement: NHEJ1 is on the minus strand). VCF-style: chr2-219147656-C-T. GRCh37 (hg19) VCF-style: chr2-220012378-C-T.
Other names: c.529+1G>A (NM_001377499.1, NM_001377498.1).
Identifiers: ClinVar variation 1484040 (VCV001484040.6), dbSNP rs146783338, ClinGen allele CA2116966.

ClinVar aggregate classification (germline): Likely pathogenic (1 of 4 stars; one submission).

Conditions:
Cernunnos-XLF deficiency (IMD124). Also called: NHEJ1 SYNDROME; Severe combined immunodeficiency with sensitivity to ionizing radiation due to NHEJ1 deficiency; SCID, autosomal recessive, T cell-negative, B cell-negative, NK cell-positive, and sensitivity to ionizing radiation due to NHEJ1 deficiency; IMMUNODEFICIENCY 124, SEVERE COMBINED; SCID, AUTOSOMAL RECESSIVE, T CELL-NEGATIVE, B CELL-NEGATIVE, NK CELL-POSITIVE, WITH MICROCEPHALY, GROWTH RETARDATION, AND SENSITIVITY TO IONIZING RADIATION. Identifiers: Orphanet 169079, MedGen C1969799, MONDO:0012650, OMIM 611291.

Allele frequency attached by ClinVar (database versions not stated): TOPMed below 0.00001; ExAC 0.00001; gnomAD exomes below 0.00001 and 0.00001; ESP Exome Variant Server 0.00015.
gnomAD v4.1: 13 of 1,614,160 alleles (0.00081%); highest among the groups gnomAD compares: South Asian, 0.0011%; no homozygotes.

Submission:

Labcorp Genetics (formerly Invitae), Labcorp
Classification: Likely pathogenic for Cernunnos-XLF deficiency. Last evaluated: 2025-08-23. Review status: criteria provided, single submitter. Criteria: Invitae Variant Classification Sherloc (09022015). Collection method: clinical testing. Allele origin: germline.
Comment: This sequence change affects a donor splice site in intron 4 of the NHEJ1 gene. It is expected to disrupt RNA splicing. Variants that disrupt the donor or acceptor splice site typically lead to a loss of protein function (PMID: 16199547), and loss-of-function variants in NHEJ1 are known to be pathogenic (PMID: 16439204, 20597108). This variant is present in population databases (rs146783338, gnomAD 0.002%). This variant has not been reported in the literature in individuals affected with NHEJ1-related conditions. ClinVar contains an entry for this variant (Variation ID: 1484040). Algorithms developed to predict the effect of sequence changes on RNA splicing suggest that this variant may disrupt the consensus splice site. In summary, the currently available evidence indicates that the variant is pathogenic, but additional data are needed to prove that conclusively. Therefore, this variant has been classified as Likely Pathogenic.

Literature cited by the submitters: PubMed 16199547; PubMed 16439204; PubMed 20597108.